The following is an entry in ClinVar:

NM_001009944.3(PKD1):c.6252C>T (p.Ser2084=)

Gene: PKD1 (polycystin 1, transient receptor potential channel interacting; minus strand). Cytogenetic location: 16p13.3.
Variant type: single nucleotide variant.
Coding change: c.6252C>T on transcript NM_001009944.3 (MANE Select); coding-DNA position 6252, C replaced by T.
Protein change: p.Ser2084=; no amino-acid change (serine 2084 retained).
Molecular consequence: synonymous variant.
Genome position (GRCh38, 1-based): chr16:2,108,915, G>A on the plus strand (C>T on the coding strand, the complement: PKD1 is on the minus strand). VCF-style: chr16-2108915-G-A. GRCh37 (hg19) VCF-style: chr16-2158916-G-A.
Other names: c.6252C>T, p.Ser2084= (NM_000296.4).
Identifiers: ClinVar variation 3053926 (VCV003053926.2), dbSNP rs2544804329, ClinGen allele CA493047340.
Genomic context (GRCh38, chr16:2,108,915, plus strand): 5'-GTCCTGCCCTGGCGACCCATCCCCAAAGTCCCAGTGGTAGGCCACACGCCGGGGGCTGGG[G>A]CTGGTGGCGGCCTCAAACTGCGCCGAGCGGTTGGTGAAGCAGGGGCCGCTCTGCAGGGCC-3'
Protein context (NP_001009944.3, residues 2074-2094): NRSAQFEAAT[Ser2084=]PSPRRVAYHW

ClinVar aggregate classification (germline): Likely benign (0 of 4 stars; one submission).

Conditions:
PKD1-related disorder. Also called: PKD1-related condition.

gnomAD v4.1: 1 of 1,590,068 alleles (0.000063%); no homozygotes.

Submission:

PreventionGenetics, part of Exact Sciences
Classification: Likely benign for PKD1-related condition. Last evaluated: 2023-06-27. Review status: no assertion criteria provided. Collection method: clinical testing. Allele origin: germline.
Comment: This variant is classified as likely benign based on ACMG/AMP sequence variant interpretation guidelines (Richards et al. 2015 PMID: 25741868, with internal and published modifications).